The following is an entry in ClinVar:

NM_013275.6(ANKRD11):c.5746G>A (p.Asp1916Asn)

Gene: ANKRD11 (ankyrin repeat domain 11; minus strand). Cytogenetic location: 16q24.3.
Variant type: single nucleotide variant.
Coding change: c.5746G>A on transcript NM_013275.6 (MANE Select); coding-DNA position 5746, G replaced by A.
Protein change: p.Asp1916Asn; replaces aspartic acid 1916 with asparagine.
Molecular consequence: missense variant.
Genome position (GRCh38, 1-based): chr16:89,280,796, C>T on the plus strand (G>A on the coding strand, the complement: ANKRD11 is on the minus strand). VCF-style: chr16-89280796-C-T. GRCh37 (hg19) VCF-style: chr16-89347204-C-T.
Other names: c.5746G>A (NM_013275.5); c.5746G>A, p.Asp1916Asn (NM_001256182.2, NM_001256183.2); short protein forms D1916N.
Identifiers: ClinVar variation 3771407 (VCV003771407.14).

ClinVar aggregate classification (germline): Likely benign. Review status: criteria provided, multiple submitters, no conflicts (2 of 4 stars). 2 submissions from 2 submitters: Likely benign (2). Last evaluated 2026-06-07.

Conditions:
ANKRD11-related disorder. Also called: ANKRD11-related condition.

gnomAD v4.1: 14 of 1,609,902 alleles (0.00087%); highest among the groups gnomAD compares: Middle Eastern, 0.016%; no homozygotes.

Submissions (2):

PreventionGenetics, part of Exact Sciences
Classification: Likely benign for ANKRD11-related condition. Last evaluated: 2026-06-07. Review status: criteria provided, single submitter. Criteria: ACMG Guidelines, 2015. Collection method: clinical testing. Allele origin: germline.
Comment: This variant is classified as likely benign based on ACMG/AMP sequence variant interpretation guidelines (Richards et al. 2015 PMID: 25741868, with internal and published modifications).

CeGaT Center for Human Genetics Tuebingen
Classification: Likely benign. Last evaluated: 2025-02-01. Review status: criteria provided, single submitter. Criteria: CeGaT Center For Human Genetics Tuebingen Variant Classification Criteria Version 2. Collection method: clinical testing. Allele origin: germline. Affected: yes. Observed: 1 variant allele.
Comment: ANKRD11: BP4